The following is an entry in ClinVar:

ClinVar aggregate classification (germline): Likely benign. Review status: criteria provided, multiple submitters, no conflicts (2 of 4 stars). 2 submissions from 2 submitters: Likely benign (2). Last evaluated 2025-02-28.

Conditions:
Pheochromocytoma/paraganglioma syndrome 5. Also called: Paragangliomas 5; SDHA-Related Hereditary Paraganglioma-Pheochromocytoma Syndrome. Identifiers: Orphanet 29072, MedGen C3279992, MONDO:0013602, OMIM 614165.
Mitochondrial complex II deficiency, nuclear type 1. Also called: SUCCINATE CoQ REDUCTASE DEFICIENCY. Identifiers: Orphanet 3208, MedGen C5700310, MONDO:0100294, OMIM 252011.

Allele frequency attached by ClinVar (database versions not stated): ExAC 0.00003.

Submissions (2):

Myriad Genetics, Inc.
Classification: Likely benign for Pheochromocytoma/paraganglioma syndrome 5. Last evaluated: 2025-02-28. Review status: criteria provided, single submitter. Criteria: Myriad Autosomal Dominant, Autosomal Recessive and X-Linked Classification Criteria (2023). Collection method: clinical testing. Allele origin: unknown.
Comment: This variant is considered likely benign. This variant is intronic and is not expected to impact mRNA splicing.

Labcorp Genetics (formerly Invitae), Labcorp
Classification: Likely benign for Pheochromocytoma/paraganglioma syndrome 5; Mitochondrial complex II deficiency, nuclear type 1. Last evaluated: 2023-05-01. Review status: criteria provided, single submitter. Criteria: Invitae Variant Classification Sherloc (09022015). Collection method: clinical testing. Allele origin: germline.

NM_004168.4(SDHA):c.63+9G>A

Gene: SDHA (succinate dehydrogenase complex flavoprotein subunit A; plus strand). Cytogenetic location: 5p15.33.
Variant type: single nucleotide variant.
Coding change: c.63+9G>A on transcript NM_004168.4 (MANE Select); 9 bases into the intron after coding-DNA position 63, G replaced by A.
Molecular consequence: intron variant.
Genome position (GRCh38, 1-based): chr5:218,427, G>A. VCF-style: chr5-218427-G-A. GRCh37 (hg19) VCF-style: chr5-218542-G-A.
Other names: c.63+9G>A (NM_001330758.2, NM_001294332.2).
Identifiers: ClinVar variation 1148197 (VCV001148197.10), dbSNP rs751401688, ClinGen allele CA3172694.
Genomic context (GRCh38, chr5:218,427, plus strand): 5'-CCGGGGCCTGTCGCGGCTGCTGAGCGCTCGGCGCCTGGCGCTGGCCAAGGCGGTGAGTCC[G>A]TGCCGCGGACCGGGGCGGGGCAGGCGGGGGCCGAGGCGGCGGTAGGAGCGGGACGGTCCC-3'